The following is an entry in ClinVar:

NM_001379291.1(BRD4):c.3925A>G (p.Thr1309Ala)

Gene: BRD4 (bromodomain containing 4; minus strand). Cytogenetic location: 19p13.12.
Variant type: single nucleotide variant.
Coding change: c.3925A>G on transcript NM_001379291.1 (MANE Select); coding-DNA position 3925, A replaced by G.
Protein change: p.Thr1309Ala; replaces threonine 1309 with alanine.
Molecular consequence: missense variant.
Genome position (GRCh38, 1-based): chr19:15,238,838, T>C on the plus strand (A>G on the coding strand, the complement: BRD4 is on the minus strand). VCF-style: chr19-15238838-T-C. GRCh37 (hg19) VCF-style: chr19-15349649-T-C.
Other names: c.3925A>G, p.Thr1309Ala (NM_058243.3); short protein forms T1309A.
Identifiers: ClinVar variation 2418204 (VCV002418204.6), dbSNP rs755041038, ClinGen allele CA9264483.

ClinVar aggregate classification (germline): Uncertain significance (1 of 4 stars; one submission).

Allele frequency attached by ClinVar (database versions not stated): TOPMed 0.00001.
gnomAD v4.1: 8 of 1,602,818 alleles (0.0005%); highest among the groups gnomAD compares: Admixed American, 0.0051%; no homozygotes.

Submission:

Labcorp Genetics (formerly Invitae), Labcorp
Classification: Uncertain significance. Last evaluated: 2025-09-26. Review status: criteria provided, single submitter. Criteria: Invitae Variant Classification Sherloc (09022015). Collection method: clinical testing. Allele origin: germline.
Comment: This sequence change replaces threonine, which is neutral and polar, with alanine, which is neutral and non-polar, at codon 1309 of the BRD4 protein (p.Thr1309Ala). This variant is present in population databases (rs755041038, gnomAD 0.009%). This variant has not been reported in the literature in individuals affected with BRD4-related conditions. ClinVar contains an entry for this variant (Variation ID: 2418204). An algorithm developed to predict the effect of missense changes on protein structure and function outputs the following: PolyPhen-2: "Benign". The alanine amino acid residue is found in multiple mammalian species, which suggests that this missense change does not adversely affect protein function. In summary, the available evidence is currently insufficient to determine the role of this variant in disease. Therefore, it has been classified as a Variant of Uncertain Significance.